The following is an entry in ClinVar:

NM_001290043.2(TAP2):c.715G>A (p.Gly239Ser)

Genes: TAP2 (transporter 2, ATP binding cassette subfamily B member; minus strand), LOC107648851 (meiotic recombination hotspot TAP2; plus strand). Cytogenetic location: 6p21.32.
Variant type: single nucleotide variant.
Coding change: c.715G>A on transcript NM_001290043.2 (MANE Select); coding-DNA position 715, G replaced by A.
Protein change: p.Gly239Ser; replaces glycine 239 with serine.
Molecular consequence: missense variant.
Genome position (GRCh38, 1-based): chr6:32,835,667, C>T on the plus strand (G>A on the coding strand, the complement: TAP2 is on the minus strand). VCF-style: chr6-32835667-C-T. GRCh37 (hg19) VCF-style: chr6-32803444-C-T.
Other names: c.715G>A, p.Gly239Ser (NM_018833.3, NM_000544.3); short protein forms G239S.
Identifiers: ClinVar variation 864156 (VCV000864156.7), dbSNP rs779665536, ClinGen allele CA3746081.

ClinVar aggregate classification (germline): Uncertain significance (1 of 4 stars; one submission).

Conditions:
MHC class I deficiency. Identifiers: Orphanet 34592, MedGen C6024714, MONDO:0011476.

Allele frequency attached by ClinVar (database versions not stated): ExAC 0.00001; TOPMed 0.00002.
gnomAD v4.1: 19 of 1,613,040 alleles (0.0012%); highest among the groups gnomAD compares: Non-Finnish European, 0.0014%; no homozygotes.

Submission:

Labcorp Genetics (formerly Invitae), Labcorp
Classification: Uncertain significance for MHC class I deficiency 1. Last evaluated: 2021-09-01. Review status: criteria provided, single submitter. Criteria: Invitae Variant Classification Sherloc (09022015). Collection method: clinical testing. Allele origin: germline.
Comment: This sequence change replaces glycine with serine at codon 239 of the TAP2 protein (p.Gly239Ser). The glycine residue is weakly conserved and there is a small physicochemical difference between glycine and serine. This variant is present in population databases (rs779665536, ExAC 0.002%). This variant has not been reported in the literature in individuals affected with TAP2-related conditions. Algorithms developed to predict the effect of missense changes on protein structure and function output the following: SIFT: "Tolerated"; PolyPhen-2: "Not Available"; Align-GVGD: "Class C0". The serine amino acid residue is found in multiple mammalian species, which suggests that this missense change does not adversely affect protein function. In summary, the available evidence is currently insufficient to determine the role of this variant in disease. Therefore, it has been classified as a Variant of Uncertain Significance.